The following is an entry in ClinVar:

ClinVar aggregate classification (germline): Uncertain significance (1 of 4 stars; one submission).

Conditions:
Proteosome-associated autoinflammatory syndrome. Also called: Proteasome-associated autoinflammatory syndrome. Identifiers: Orphanet 324977, MedGen C1850568, MONDO:0009726.

Submission:

Labcorp Genetics (formerly Invitae), Labcorp
Classification: Uncertain significance for Proteosome-associated autoinflammatory syndrome. Last evaluated: 2021-06-10. Review status: criteria provided, single submitter. Criteria: Invitae Variant Classification Sherloc (09022015). Collection method: clinical testing. Allele origin: germline.
Comment: In summary, the available evidence is currently insufficient to determine the role of this variant in disease. Therefore, it has been classified as a Variant of Uncertain Significance. Experimental studies and prediction algorithms are not available or were not evaluated, and the functional significance of this variant is currently unknown. This variant has not been reported in the literature in individuals with PSMB8-related conditions. The frequency data for this variant in the population databases is not available, as this variant may be reported as separate entries in the ExAC database. This sequence change replaces leucine with valine at codon 4 of the PSMB8 protein (p.Leu4Val). The leucine residue is moderately conserved and there is a small physicochemical difference between leucine and valine.

NM_148919.4(PSMB8):c.9_10delinsCG (p.Leu4Val)

Gene: PSMB8 (proteasome 20S subunit beta 8; minus strand). Cytogenetic location: 6p21.32.
Variant type: Indel.
Coding change: c.9_10delinsCG on transcript NM_148919.4 (MANE Select); coding-DNA positions 9 to 10, AC replaced by CG.
Protein change: p.Leu4Val; replaces leucine 4 with valine.
Molecular consequence: missense variant. On other transcripts: intron variant (1).
Genome position (GRCh38, 1-based): chr6:32,843,987-32,843,988, GT replaced by CG on the plus strand (AC replaced by CG on the coding strand, the reverse complement: PSMB8 is on the minus strand). VCF-style: chr6-32843987-GT-CG. GRCh37 (hg19) VCF-style: chr6-32811764-GT-CG.
Other names: c.135+291_135+292delinsCG (NM_004159.5); short protein forms L4V.
Identifiers: ClinVar variation 1360258 (VCV001360258.6), dbSNP rs2127380594, ClinGen allele CA2573140345.
Genomic context (GRCh38, chr6:32,843,987, plus strand): 5'-TTCCCGCAACCGGGAGAGCCGATTCCGGCCGCTGCCCTCGGGGGGCTCCGCATACATCTA[GT>CG]AGCGCCATGACCGCCCAGCACCCAGAGATCTGTCCGCTCTCGGAGGAGGAAGTGAAAGCG-3'
Protein context (NP_683720.2, residues 1-14): MAL[Leu4Val]DVCGAPRGQR